The following is an entry in ClinVar:

NM_016169.4(SUFU):c.1072_1074del (p.His358del)

Gene: SUFU (SUFU negative regulator of hedgehog signaling; plus strand). Cytogenetic location: 10q24.32.
Variant type: Deletion.
Coding change: c.1072_1074del on transcript NM_016169.4 (MANE Select); coding-DNA positions 1072 to 1074, 3 bases deleted (CAT; older notation c.1072_1074delCAT).
Protein change: p.His358del; deletes histidine 358.
Molecular consequence: inframe deletion.
Genome position (GRCh38, 1-based): chr10:102,615,317-102,615,319, CAT deleted. VCF-style (leftmost placement, unchanged base first): chr10-102615316-CCAT-C. GRCh37 (hg19) VCF-style: chr10-104375073-CCAT-C.
Other names: c.1072_1074del, p.His358del (NM_001178133.2); short protein forms H358del.
Identifiers: ClinVar variation 3756452 (VCV003756452.2).

ClinVar aggregate classification (germline): Uncertain significance (1 of 4 stars; one submission).

Conditions:
Gorlin syndrome. Also called: Nevoid Basal Cell Carcinoma Syndrome; Basal cell nevus syndrome. Identifiers: Orphanet 377, MedGen C0004779, MONDO:0007187.
Medulloblastoma (MDB). Also called: Medulloblastoma, somatic; MEDULLOBLASTOMA PREDISPOSITION SYNDROME. Identifiers: Orphanet 616, MedGen C0025149, MeSH D008527, MONDO:0007959, OMIM 155255, HP:0002885.

Submission:

Labcorp Genetics (formerly Invitae), Labcorp
Classification: Uncertain significance for Gorlin syndrome; Medulloblastoma. Last evaluated: 2025-10-01. Review status: criteria provided, single submitter. Criteria: Invitae Variant Classification Sherloc (09022015). Collection method: clinical testing. Allele origin: germline.
Comment: This variant, c.1072_1074del, results in the deletion of 1 amino acid(s) of the SUFU protein (p.His358del), but otherwise preserves the integrity of the reading frame. This variant is not present in population databases (gnomAD no frequency). This variant has not been reported in the literature in individuals affected with SUFU-related conditions. ClinVar contains an entry for this variant (Variation ID: 3756452). Experimental studies and prediction algorithms are not available or were not evaluated, and the functional significance of this variant is currently unknown. In summary, the available evidence is currently insufficient to determine the role of this variant in disease. Therefore, it has been classified as a Variant of Uncertain Significance.